The following is an entry in ClinVar:

ClinVar aggregate classification (germline): Likely benign (1 of 4 stars; one submission).

gnomAD v4.1: 46 of 1,600,732 alleles (0.0029%); highest among the groups gnomAD compares: South Asian, 0.0079%; no homozygotes.

Submission:

CeGaT Center for Human Genetics Tuebingen
Classification: Likely benign. Last evaluated: 2026-08-01. Review status: criteria provided, single submitter. Criteria: CeGaT Center For Human Genetics Tuebingen Variant Classification Criteria Version 2. Collection method: clinical testing. Allele origin: germline. Affected: yes. Observed: 1 variant allele.
Comment: ZMYM2: BP4

NM_197968.4(ZMYM2):c.3893A>G (p.Asn1298Ser)

Gene: ZMYM2 (zinc finger MYM-type containing 2; plus strand). Cytogenetic location: 13q12.11.
Variant type: single nucleotide variant.
Coding change: c.3893A>G on transcript NM_197968.4 (MANE Select); coding-DNA position 3893, A replaced by G.
Protein change: p.Asn1298Ser; replaces asparagine 1298 with serine.
Molecular consequence: missense variant. On other transcripts: non-coding transcript variant (1).
Genome position (GRCh38, 1-based): chr13:20,083,728, A>G. VCF-style: chr13-20083728-A-G. GRCh37 (hg19) VCF-style: chr13-20657868-A-G.
Other names: c.3893A>G, p.Asn1298Ser (NM_001190964.4, NM_001190965.4, NM_001353157.2 and 4 more transcripts); c.3698A>G, p.Asn1233Ser (NM_001353161.3); c.3632A>G, p.Asn1211Ser (NM_001353163.2); short protein forms N1211S, N1233S, N1298S.
Identifiers: ClinVar variation 5039550 (VCV005039550.1).
Genomic context (GRCh38, chr13:20,083,728, plus strand): 5'-CTGGAAAAAGAAAACATGAAGATGATGAGCCAGTATTTGAACAAATTGAAAACACAGCCA[A>G]TCCTTCCAGATGTCCTGTGAAAATGTTTGAATGCTACTTGTCTAAAAGGTGAGTGTTAAT-3'
Protein context (NP_932072.1, residues 1288-1308): PVFEQIENTA[Asn1298Ser]PSRCPVKMFE